The following is an entry in ClinVar:

NM_001005373.4(LRSAM1):c.573G>A (p.Glu191=)

Gene: LRSAM1 (leucine rich repeat and sterile alpha motif containing 1; plus strand). Cytogenetic location: 9q33.3.
Variant type: single nucleotide variant.
Coding change: c.573G>A on transcript NM_001005373.4 (MANE Select); coding-DNA position 573, G replaced by A.
Protein change: p.Glu191=; no amino-acid change (glutamic acid 191 retained).
Molecular consequence: synonymous variant. On other transcripts: 5 prime UTR variant (1), non-coding transcript variant (2).
Genome position (GRCh38, 1-based): chr9:127,467,784, G>A. VCF-style: chr9-127467784-G-A. GRCh37 (hg19) VCF-style: chr9-130230063-G-A.
Other names: c.573G>A, p.Glu191= (NM_001005374.4, NM_001190723.3, NM_001384142.1 and 2 more transcripts); c.-212G>A (NM_001384144.1).
Identifiers: ClinVar variation 4989799 (VCV004989799.1).

ClinVar aggregate classification (germline): Likely benign (1 of 4 stars; one submission).

Conditions:
LRSAM1-related disorder. Also called: LRSAM1-related condition.

gnomAD v4.1: 23 of 1,610,494 alleles (0.0014%); highest among the groups gnomAD compares: East Asian, 0.042%; no homozygotes.

Submission:

PreventionGenetics, part of Exact Sciences
Classification: Likely benign for LRSAM1-related condition. Last evaluated: 2025-11-11. Review status: criteria provided, single submitter. Criteria: ACMG Guidelines, 2015. Collection method: clinical testing. Allele origin: germline.
Comment: This variant is classified as likely benign based on ACMG/AMP sequence variant interpretation guidelines (Richards et al. 2015 PMID: 25741868, with internal and published modifications).